The following is an entry in ClinVar:

ClinVar aggregate classification (germline): Uncertain significance. Review status: criteria provided, multiple submitters, no conflicts (2 of 4 stars). 2 submissions from 2 submitters: Uncertain significance (2). Last evaluated 2025-11-03.

Conditions:
Hereditary cancer-predisposing syndrome. Also called: Hereditary neoplastic syndrome; Tumor predisposition; Neoplastic Syndromes, Hereditary; Hereditary Cancer Syndrome. Identifiers: Orphanet 140162, MedGen C0027672, MeSH D009386, MONDO:0015356.

gnomAD v4.1: 1 of 1,609,668 alleles (0.000062%); no homozygotes.

Submissions (2):

Ambry Genetics
Classification: Uncertain significance for Hereditary cancer-predisposing syndrome. Last evaluated: 2025-11-03. Review status: criteria provided, single submitter. Criteria: Ambry Variant Classification Scheme 2023. Collection method: clinical testing. Allele origin: germline.
Comment: The p.N960T variant (also known as c.2879A>C), located in coding exon 25 of the POLE gene, results from an A to C substitution at nucleotide position 2879. The asparagine at codon 960 is replaced by threonine, an amino acid with similar properties. This amino acid position is highly conserved in available vertebrate species. In addition, this alteration is predicted to be tolerated by in silico analysis. Based on the available evidence, the clinical significance of this variant remains unclear.

Labcorp Genetics (formerly Invitae), Labcorp
Classification: Uncertain significance. Last evaluated: 2021-07-10. Review status: criteria provided, single submitter. Criteria: Invitae Variant Classification Sherloc (09022015). Collection method: clinical testing. Allele origin: germline.
Comment: This variant is not present in population databases (ExAC no frequency). This variant has not been reported in the literature in individuals affected with POLE-related conditions. Algorithms developed to predict the effect of missense changes on protein structure and function (SIFT, PolyPhen-2, Align-GVGD) all suggest that this variant is likely to be disruptive. In summary, the available evidence is currently insufficient to determine the role of this variant in disease. Therefore, it has been classified as a Variant of Uncertain Significance. This sequence change replaces asparagine with threonine at codon 960 of the POLE protein (p.Asn960Thr). The asparagine residue is highly conserved and there is a small physicochemical difference between asparagine and threonine.

NM_006231.4(POLE):c.2879A>C (p.Asn960Thr)

Gene: POLE (DNA polymerase epsilon, catalytic subunit; minus strand). Cytogenetic location: 12q24.33.
Variant type: single nucleotide variant.
Coding change: c.2879A>C on transcript NM_006231.4 (MANE Select); coding-DNA position 2879, A replaced by C.
Protein change: p.Asn960Thr; replaces asparagine 960 with threonine.
Molecular consequence: missense variant.
Genome position (GRCh38, 1-based): chr12:132,661,150, T>G on the plus strand (A>C on the coding strand, the complement: POLE is on the minus strand). VCF-style: chr12-132661150-T-G. GRCh37 (hg19) VCF-style: chr12-133237736-T-G.
Other names: c.2879A>C (NM_006231.2); short protein forms N960T.
Identifiers: ClinVar variation 1504405 (VCV001504405.9), dbSNP rs746311547, ClinGen allele CA387392937.
Genomic context (GRCh38, chr12:132,661,150, plus strand): 5'-TGCAGTTCCCCGCGGCGTTTGACCTCAAAGCCCTTGAGCTCAGCCAGAGAACCGTCTTCA[T>G]TGAACACAGCATACCTGAAAAAAAAAAAAAAGGCAAGCACAGCAGTGGCAAGGAGCGCTG-3'
Protein context (NP_006222.2, residues 950-970): KKLKKRYAVF[Asn960Thr]EDGSLAELKG